The following is an entry in ClinVar:

NM_000038.6(APC):c.2557G>A (p.Glu853Lys)

Gene: APC (APC regulator of Wnt signaling pathway; plus strand). Cytogenetic location: 5q22.2.
Variant type: single nucleotide variant.
Coding change: c.2557G>A on transcript NM_000038.6 (MANE Select); coding-DNA position 2557, G replaced by A.
Protein change: p.Glu853Lys; replaces glutamic acid 853 with lysine.
Molecular consequence: missense variant.
Genome position (GRCh38, 1-based): chr5:112,838,151, G>A. VCF-style: chr5-112838151-G-A. GRCh37 (hg19) VCF-style: chr5-112173848-G-A.
Other names: c.2557G>A, p.Glu853Lys (NM_001127510.3, NM_001354895.2); c.2503G>A, p.Glu835Lys (NM_001127511.3); c.2611G>A, p.Glu871Lys (NM_001354896.2); c.2587G>A, p.Glu863Lys (NM_001354897.2); c.2482G>A, p.Glu828Lys (NM_001354898.2); c.2473G>A, p.Glu825Lys (NM_001354899.2); c.2434G>A, p.Glu812Lys (NM_001354900.2); c.2380G>A, p.Glu794Lys (NM_001354901.2); and 5 more; short protein forms E835K, E853K, E828K, E871K, E762K, E812K, E825K, E570K.
Identifiers: ClinVar variation 232393 (VCV000232393.8), dbSNP rs876659738, ClinGen allele CA10578341.

ClinVar aggregate classification (germline): Uncertain significance. Review status: criteria provided, multiple submitters, no conflicts (2 of 4 stars). 2 submissions from 2 submitters: Uncertain significance (2). Last evaluated 2024-08-18.

Conditions:
Familial adenomatous polyposis 1 (FAP1). Also called: FAMILIAL ADENOMATOUS POLYPOSIS 1, ATTENUATED; POLYPOSIS, ADENOMATOUS INTESTINAL. Identifiers: MedGen C2713442, MONDO:0021056, OMIM 175100. Disease mechanism: loss of function.
Hereditary cancer-predisposing syndrome. Also called: Neoplastic Syndromes, Hereditary; Tumor predisposition; Hereditary Cancer Syndrome; Hereditary neoplastic syndrome. Identifiers: Orphanet 140162, MedGen C0027672, MeSH D009386, MONDO:0015356.

Submissions (2):

Labcorp Genetics (formerly Invitae), Labcorp
Classification: Uncertain significance for Familial adenomatous polyposis 1. Last evaluated: 2024-08-18. Review status: criteria provided, single submitter. Criteria: Invitae Variant Classification Sherloc (09022015). Collection method: clinical testing. Allele origin: germline.
Comment: This sequence change replaces glutamic acid, which is acidic and polar, with lysine, which is basic and polar, at codon 853 of the APC protein (p.Glu853Lys). This variant is not present in population databases (gnomAD no frequency). This variant has not been reported in the literature in individuals affected with APC-related conditions. ClinVar contains an entry for this variant (Variation ID: 232393). Invitae Evidence Modeling of protein sequence and biophysical properties (such as structural, functional, and spatial information, amino acid conservation, physicochemical variation, residue mobility, and thermodynamic stability) indicates that this missense variant is not expected to disrupt APC protein function with a negative predictive value of 95%. In summary, the available evidence is currently insufficient to determine the role of this variant in disease. Therefore, it has been classified as a Variant of Uncertain Significance.

Ambry Genetics
Classification: Uncertain significance for Hereditary cancer-predisposing syndrome. Last evaluated: 2023-04-21. Review status: criteria provided, single submitter. Criteria: Ambry Variant Classification Scheme 2023. Collection method: clinical testing. Allele origin: germline.
Comment: The p.E853K variant (also known as c.2557G>A), located in coding exon 15 of the APC gene, results from a G to A substitution at nucleotide position 2557. The glutamic acid at codon 853 is replaced by lysine, an amino acid with similar properties. This amino acid position is well conserved in available vertebrate species. In addition, in silico predictors for this gene do not accurately predict pathogenicity. Since supporting evidence is limited at this time, the clinical significance of this alteration remains unclear.